The following is an entry in ClinVar:

NC_000006.11:g.(?_393153)_(407598_?)del

Gene: IRF4 (interferon regulatory factor 4; plus strand). Cytogenetic location: 6p25.3.
Variant type: Deletion.
Identifiers: ClinVar variation 2424452 (VCV002424452.3).

ClinVar aggregate classification (germline): Uncertain significance (1 of 4 stars; one submission).

Submission:

Labcorp Genetics (formerly Invitae), Labcorp
Classification: Uncertain significance. Last evaluated: 2022-04-04. Review status: criteria provided, single submitter. Criteria: Invitae Variant Classification Sherloc (09022015). Collection method: clinical testing. Allele origin: germline.
Comment: A gross deletion of the genomic region encompassing the full coding sequence of the IRF4 gene has been identified. The current clinical and genetic evidence is not sufficient to establish whether loss-of-function variants in IRF4 cause disease. The boundaries of this event are unknown as they extend beyond the assayed region for this gene and therefore may encompass additional genes. This variant has not been reported in the literature in individuals affected with IRF4-related conditions. In summary, the available evidence is currently insufficient to determine the role of this variant in disease. Therefore, it has been classified as a Variant of Uncertain Significance.